The following is an entry in ClinVar:

ClinVar aggregate classification (germline): Likely benign (0 of 4 stars; one submission).

Conditions:
SHH-related disorder. Also called: SHH-related disorders; SHH-related condition.

Allele frequency attached by ClinVar (database versions not stated): gnomAD exomes 0.00005; ExAC 0.00006; 1000 Genomes Project 30x 0.00016; 1000 Genomes Project 0.00020.
gnomAD v4.1: 18 of 471,242 alleles (0.0038%); highest among the groups gnomAD compares: East Asian, 0.063%; no homozygotes.

Submission:

PreventionGenetics, part of Exact Sciences
Classification: Likely benign for SHH-related condition. Last evaluated: 2019-08-29. Review status: no assertion criteria provided. Collection method: clinical testing. Allele origin: germline.
Comment: This variant is classified as likely benign based on ACMG/AMP sequence variant interpretation guidelines (Richards et al. 2015 PMID: 25741868, with internal and published modifications).

NM_000193.4(SHH):c.*2722G>A

Gene: SHH (sonic hedgehog signaling molecule; minus strand). Cytogenetic location: 7q36.3.
Variant type: single nucleotide variant.
Coding change: c.*2722G>A on transcript NM_000193.4 (MANE Select); 2722 bases downstream of the stop codon, G replaced by A.
Molecular consequence: 3 prime UTR variant. On other transcripts: synonymous variant (1), non-coding transcript variant (2).
Genome position (GRCh38, 1-based): chr7:155,800,178, C>T on the plus strand (G>A on the coding strand, the complement: SHH is on the minus strand). VCF-style: chr7-155800178-C-T. GRCh37 (hg19) VCF-style: chr7-155592872-C-T.
Other names: c.369G>A, p.Pro123= (NM_001310462.2).
Identifiers: ClinVar variation 3053417 (VCV003053417.2), dbSNP rs574899320, ClinGen allele CA4586840.
Genomic context (GRCh38, chr7:155,800,178, plus strand): 5'-CATTTTGCACAAACTCTTGGCTCCGTCAACCCTGAATGAGAAGTCGGCGCCTCGTCCTGG[C>T]GGGGCTGGGCTGCACCCTCTTGATGCCCTGTACCTAGTGTCTCTAAGCAGTGGTTTCCTT-3'